The following is an entry in ClinVar:

ClinVar aggregate classification (germline): Conflicting classifications of pathogenicity. Review status: criteria provided, conflicting classifications (1 of 4 stars). 2 submissions from 2 submitters: Uncertain significance (1); Likely benign (1). Last evaluated 2022-11-08.

Conditions:
Dyskeratosis congenita, autosomal dominant 2. Identifiers: MedGen C3151443, MONDO:0013521, OMIM 613989.
Idiopathic Pulmonary Fibrosis. Also called: Idiopathic fibrosing alveolitis, chronic form; idiopathic fibrosing alveolitis. Identifiers: Orphanet 2032, MedGen C1800706, MeSH D054990, MONDO:0800504.
Dyskeratosis congenita. Identifiers: Orphanet 1775, MedGen C0265965, MONDO:0015780.

Submissions (2):

Labcorp Genetics (formerly Invitae), Labcorp
Classification: Uncertain significance for Dyskeratosis congenita, autosomal dominant 2; Idiopathic Pulmonary Fibrosis. Last evaluated: 2022-11-08. Review status: criteria provided, single submitter. Criteria: Invitae Variant Classification Sherloc (09022015). Collection method: clinical testing. Allele origin: germline.
Comment: This sequence change replaces threonine, which is neutral and polar, with alanine, which is neutral and non-polar, at codon 1110 of the TERT protein (p.Thr1110Ala). This variant is not present in population databases (gnomAD no frequency). This variant has not been reported in the literature in individuals affected with TERT-related conditions. Advanced modeling of protein sequence and biophysical properties (such as structural, functional, and spatial information, amino acid conservation, physicochemical variation, residue mobility, and thermodynamic stability) performed at Invitae indicates that this missense variant is not expected to disrupt TERT protein function. In summary, the available evidence is currently insufficient to determine the role of this variant in disease. Therefore, it has been classified as a Variant of Uncertain Significance.

Ambry Genetics
Classification: Likely benign for Dyskeratosis congenita. Last evaluated: 2022-02-26. Review status: criteria provided, single submitter. Criteria: Ambry Variant Classification Scheme 2023. Collection method: clinical testing. Allele origin: germline.

NM_198253.3(TERT):c.3328A>G (p.Thr1110Ala)

Gene: TERT (telomerase reverse transcriptase; minus strand). Cytogenetic location: 5p15.33.
Variant type: single nucleotide variant.
Coding change: c.3328A>G on transcript NM_198253.3 (MANE Select); coding-DNA position 3328, A replaced by G.
Protein change: p.Thr1110Ala; replaces threonine 1110 with alanine.
Molecular consequence: missense variant. On other transcripts: non-coding transcript variant (2).
Genome position (GRCh38, 1-based): chr5:1,253,799, T>C on the plus strand (A>G on the coding strand, the complement: TERT is on the minus strand). VCF-style: chr5-1253799-T-C. GRCh37 (hg19) VCF-style: chr5-1253914-T-C.
Other names: c.3139A>G, p.Thr1047Ala (NM_001193376.3); c.3328A>G, p.Thr1110Ala (NM_003219.1); short protein forms T1110A, T1047A.
Identifiers: ClinVar variation 1730270 (VCV001730270.5), dbSNP rs2478066648, ClinGen allele CA359066787.
Genomic context (GRCh38, chr5:1,253,799, plus strand): 5'-TGGTCTTGAAGTCTGAGGGCAGTGCCGGGTTGGCTGCGGCCTCCAGGGCAGTCAGCGTCG[T>C]CCCCGGGAGCTTCCGACTCAGCTGCGTCTGGGCTGCGGGGCCAAAATCAGACTCCGTTCC-3'
Protein context (NP_937983.2, residues 1100-1120): QTQLSRKLPG[Thr1110Ala]TLTALEAAAN